The following is an entry in ClinVar:

ClinVar aggregate classification (germline): Uncertain significance (1 of 4 stars; one submission).

Submission:

Dasa
Classification: Uncertain significance. Last evaluated: 2025-03-10. Review status: criteria provided, single submitter. Criteria: DASA Assertion Criteria. Collection method: clinical testing. Allele origin: germline.
Comment: NM_000834.5(GRIN2B):c.3577G>C (p.Val1193Leu) is a missense variant that results in the substitution of valine with leucine. This variant is absent from population databases. Computational prediction algorithms are consistent with a benign effect. The currently available literature and clinical evidence are not sufficient to establish a definitive association between this variant and the reported condition. Therefore, this variant is classified as a variant of uncertain significance.

NM_000834.5(GRIN2B):c.3577G>C (p.Val1193Leu)

Gene: GRIN2B (glutamate ionotropic receptor NMDA type subunit 2B; minus strand). Cytogenetic location: 12p13.1.
Variant type: single nucleotide variant.
Coding change: c.3577G>C on transcript NM_000834.5 (MANE Select); coding-DNA position 3577, G replaced by C.
Protein change: p.Val1193Leu; replaces valine 1193 with leucine.
Molecular consequence: missense variant.
Genome position (GRCh38, 1-based): chr12:13,563,661, C>G on the plus strand (G>C on the coding strand, the complement: GRIN2B is on the minus strand). VCF-style: chr12-13563661-C-G. GRCh37 (hg19) VCF-style: chr12-13716595-C-G.
Other names: c.3577G>C, p.Val1193Leu (NM_001413992.1); short protein forms V1193L.
Identifiers: ClinVar variation 4882753 (VCV004882753.2).